The following is an entry in ClinVar:

ClinVar aggregate classification (germline): Pathogenic. Review status: criteria provided, multiple submitters, no conflicts (2 of 4 stars). 2 submissions from 2 submitters: Pathogenic (2). Last evaluated 2025-05-26.

Conditions:
Cardiovascular phenotype. Identifiers: MedGen CN230736.
Hereditary cancer-predisposing syndrome. Also called: Hereditary neoplastic syndrome; Hereditary Cancer Syndrome; Neoplastic Syndromes, Hereditary; Tumor predisposition. Identifiers: Orphanet 140162, MedGen C0027672, MeSH D009386, MONDO:0015356.
Neurofibromatosis, type 1 (NF1). Also called: Peripheral type neurofibromatosis; Neurofibromatosis, type I; NEUROFIBROMATOSIS, TYPE I, SOMATIC; VON RECKLINGHAUSEN DISEASE. Identifiers: Orphanet 636, MedGen C0027831, MONDO:0018975, OMIM 162200. Disease mechanism: loss of function.

Submissions (2):

Ambry Genetics
Classification: Pathogenic for Cardiovascular phenotype; Hereditary cancer-predisposing syndrome. Last evaluated: 2025-05-26. Review status: criteria provided, single submitter. Criteria: Ambry Variant Classification Scheme 2023. Collection method: clinical testing. Allele origin: germline.
Comment: The c.1237delT pathogenic mutation, located in coding exon 11 of the NF1 gene, results from a deletion of one nucleotide at nucleotide position 1237, causing a translational frameshift with a predicted alternate stop codon (p.S413Hfs*60). This variant is considered to be rare based on population cohorts in the Genome Aggregation Database (gnomAD). This alteration is expected to result in loss of function by premature protein truncation or nonsense-mediated mRNA decay. As such, this alteration is interpreted as a disease-causing mutation.

Labcorp Genetics (formerly Invitae), Labcorp
Classification: Pathogenic for Neurofibromatosis, type 1. Last evaluated: 2023-07-18. Review status: criteria provided, single submitter. Criteria: Invitae Variant Classification Sherloc (09022015). Collection method: clinical testing. Allele origin: germline.
Comment: For these reasons, this variant has been classified as Pathogenic. ClinVar contains an entry for this variant (Variation ID: 1369514). This variant has not been reported in the literature in individuals affected with NF1-related conditions. This variant is not present in population databases (gnomAD no frequency). This sequence change creates a premature translational stop signal (p.Ser413Hisfs*60) in the NF1 gene. It is expected to result in an absent or disrupted protein product. Loss-of-function variants in NF1 are known to be pathogenic (PMID: 10712197, 23913538).

Literature cited by the submitters: PubMed 10712197 (cited by Labcorp Genetics (formerly Invitae), Labcorp); PubMed 23913538 (cited by Labcorp Genetics (formerly Invitae), Labcorp).

NM_001042492.3(NF1):c.1237del (p.Ser413fs)

Gene: NF1 (neurofibromin 1; plus strand). Cytogenetic location: 17q11.2.
Variant type: Deletion.
Coding change: c.1237del on transcript NM_001042492.3 (MANE Select); coding-DNA position 1237, one base deleted (T; older notation c.1237delT).
Protein change: p.Ser413fs; shifts the reading frame from serine 413.
Molecular consequence: frameshift variant.
Genome position (GRCh38, 1-based): chr17:31,201,462, T deleted; the last of 2 consecutive T bases (chr17:31,201,461-31,201,462); deleting either gives the same sequence. VCF-style (leftmost placement, unchanged base first): chr17-31201460-AT-A. GRCh37 (hg19) VCF-style: chr17-29528478-AT-A.
Other names: c.1237delT, p.Ser413Hisfs (NM_000267.4); c.1237del, p.Ser413fs (NM_001128147.3); c.1237delT (NM_000267.3); short protein forms S413fs.
Identifiers: ClinVar variation 1369514 (VCV001369514.7), dbSNP rs2143886507, ClinGen allele CA2573153593.
Genomic context (GRCh38, chr17:31,201,460, plus strand): 5'-TTTTTCTATAGATCTGCCTGGCTCAGAATTCACCTTCTACATTTCACTATGTGCTGGTAA[AT>A]TCACTCCATCGAATCATCACCAATGTAAGTCCAAAAGGTATTGCTAAATTACTAAAAAAA-3'